The following is an entry in ClinVar:

NM_001904.4(CTNNB1):c.84G>T (p.Gln28His)

Genes: CTNNB1 (catenin beta 1; plus strand), LOC126806658 (BRD4-independent group 4 enhancer GRCh37_chr3:41265899-41267098; plus strand). Cytogenetic location: 3p22.1.
Variant type: single nucleotide variant.
Coding change: c.84G>T on transcript NM_001904.4 (MANE Select); coding-DNA position 84, G replaced by T.
Protein change: p.Gln28His; replaces glutamine 28 with histidine.
Molecular consequence: missense variant.
Genome position (GRCh38, 1-based): chr3:41,224,596, G>T. VCF-style: chr3-41224596-G-T. GRCh37 (hg19) VCF-style: chr3-41266087-G-T.
Other names: c.84G>T (NM_001904.3); c.84G>T, p.Gln28His (NM_001098209.2, NM_001098210.2); c.63G>T, p.Gln21His (NM_001330729.2); short protein forms Q21H, Q28H.
Identifiers: ClinVar variation 1718025 (VCV001718025.7), dbSNP rs1258632801, ClinGen allele CA352228484.

ClinVar aggregate classification (germline): Uncertain significance. Review status: criteria provided, multiple submitters, no conflicts (2 of 4 stars). 2 submissions from 2 submitters: Uncertain significance (2). Last evaluated 2025-02-24.

Allele frequency attached by ClinVar (database versions not stated): gnomAD exomes below 0.00001.
gnomAD v4.1: 1 of 1,613,958 alleles (0.000062%); highest among the groups gnomAD compares: Non-Finnish European, 0.000085%; no homozygotes.

Submissions (2):

Labcorp Genetics (formerly Invitae), Labcorp
Classification: Uncertain significance. Last evaluated: 2025-02-24. Review status: criteria provided, single submitter. Criteria: Invitae Variant Classification Sherloc (09022015). Collection method: clinical testing. Allele origin: germline.
Comment: This sequence change replaces glutamine, which is neutral and polar, with histidine, which is basic and polar, at codon 28 of the CTNNB1 protein (p.Gln28His). This variant is present in population databases (no rsID available, gnomAD 0.0009%). This variant has not been reported in the literature in individuals affected with CTNNB1-related conditions. ClinVar contains an entry for this variant (Variation ID: 1718025). Invitae Evidence Modeling of protein sequence and biophysical properties (such as structural, functional, and spatial information, amino acid conservation, physicochemical variation, residue mobility, and thermodynamic stability) indicates that this missense variant is not expected to disrupt CTNNB1 protein function with a negative predictive value of 80%. In summary, the available evidence is currently insufficient to determine the role of this variant in disease. Therefore, it has been classified as a Variant of Uncertain Significance.

GeneDx
Classification: Uncertain significance. Last evaluated: 2023-03-28. Review status: criteria provided, single submitter. Criteria: GeneDx Variant Classification Process June 2021. Collection method: clinical testing. Allele origin: germline. Affected: yes.
Comment: In silico analysis supports that this missense variant does not alter protein structure/function; Has not been previously published as pathogenic or benign to our knowledge